The following is an entry in ClinVar:

NM_000179.3(MSH6):c.3971_3980del (p.Glu1324fs)

Gene: MSH6 (mutS homolog 6; plus strand). Cytogenetic location: 2p16.3.
Variant type: Deletion.
Coding change: c.3971_3980del on transcript NM_000179.3 (MANE Select); coding-DNA positions 3971 to 3980, 10 bases deleted (AGAAGATGAA; older notation c.3971_3980delAGAAGATGAA).
Protein change: p.Glu1324fs; shifts the reading frame from glutamic acid 1324.
Molecular consequence: frameshift variant. On other transcripts: intron variant (1), non-coding transcript variant (5).
Genome position (GRCh38, 1-based): chr2:47,806,621-47,806,630, AGAAGATGAA deleted. VCF-style (leftmost placement, unchanged base first): chr2-47806620-GAGAAGATGAA-G. GRCh37 (hg19) VCF-style: chr2-48033759-GAGAAGATGAA-G.
Other names: c.3581_3590del, p.Glu1194fs (NM_001281492.2); c.3065_3074del, p.Glu1022fs (NM_001281493.2, NM_001281494.2, NM_001406811.1 and 6 more transcripts); c.4067_4076del, p.Glu1356fs (NM_001406795.1); c.3971_3980del, p.Glu1324fs (NM_001406796.1, NM_001406808.1, NM_001406809.1); c.3674_3683del, p.Glu1225fs (NM_001406797.1, NM_001406801.1, NM_001406805.1 and 10 more transcripts); c.3797_3806del, p.Glu1266fs (NM_001406798.1); c.3446_3455del, p.Glu1149fs (NM_001406799.1, NM_001406806.1, NM_001406807.1); c.3958_*1del, p.Arg1320fs (NM_001406800.1); and 9 more; short protein forms E1266fs, E1268fs, E1298fs, E273fs, E639fs, E1194fs, E251fs, E1022fs.
Identifiers: ClinVar variation 3641811 (VCV003641811.2).

ClinVar aggregate classification (germline): Pathogenic (1 of 4 stars; one submission).

Conditions:
Hereditary nonpolyposis colorectal neoplasms. Identifiers: MedGen C0009405, MeSH D003123.

Submission:

Labcorp Genetics (formerly Invitae), Labcorp
Classification: Pathogenic for Hereditary nonpolyposis colorectal neoplasms. Last evaluated: 2024-08-21. Review status: criteria provided, single submitter. Criteria: Invitae Variant Classification Sherloc (09022015). Collection method: clinical testing. Allele origin: germline.
Comment: This sequence change creates a premature translational stop signal (p.Glu1324Valfs*19) in the MSH6 gene. While this is not anticipated to result in nonsense mediated decay, it is expected to disrupt the last 37 amino acid(s) of the MSH6 protein. This variant is not present in population databases (gnomAD no frequency). This variant has not been reported in the literature in individuals affected with MSH6-related conditions. This variant disrupts a region of the MSH6 protein in which other variant(s) (p.Arg1334Serfs*7) have been determined to be pathogenic (internal data). This suggests that this is a clinically significant region of the protein, and that variants that disrupt it are likely to be disease-causing. For these reasons, this variant has been classified as Pathogenic.